The following is an entry in ClinVar:

NM_005559.4(LAMA1):c.5796G>T (p.Leu1932=)

Gene: LAMA1 (laminin subunit alpha 1; minus strand). Cytogenetic location: 18p11.31.
Variant type: single nucleotide variant.
Coding change: c.5796G>T on transcript NM_005559.4 (MANE Select); coding-DNA position 5796, G replaced by T.
Protein change: p.Leu1932=; no amino-acid change (leucine 1932 retained).
Molecular consequence: synonymous variant.
Genome position (GRCh38, 1-based): chr18:6,983,099, C>A on the plus strand (G>T on the coding strand, the complement: LAMA1 is on the minus strand). VCF-style: chr18-6983099-C-A. GRCh37 (hg19) VCF-style: chr18-6983098-C-A.
Identifiers: ClinVar variation 1378564 (VCV001378564.5), dbSNP rs1203740341, ClinGen allele CA502478313.
Genomic context (GRCh38, chr18:6,983,099, plus strand): 5'-AAACCCGGTACAGAAAAATCTCCCACAGAGCCCAGAAAAAGAAGCCACGTCGTTTCCTAC[C>A]AGGCTCGTCTCAGTCACAGTCCTGTGAGCATCTCTGGCCAGTTCCTCCGATTCTTCAATC-3'
Protein context (NP_005550.2, residues 1922-1942): DAHRTVTETS[Leu1932=]LSESLVSNGK

ClinVar aggregate classification (germline): Uncertain significance (1 of 4 stars; one submission).

Allele frequency attached by ClinVar (database versions not stated): gnomAD exomes below 0.00001 and 0.00001; TOPMed below 0.00001; gnomAD 0.00001.
gnomAD v4.1: 13 of 1,613,986 alleles (0.00081%); highest among the groups gnomAD compares: Non-Finnish European, 0.0011%; no homozygotes.

Submission:

Labcorp Genetics (formerly Invitae), Labcorp
Classification: Uncertain significance. Last evaluated: 2025-01-06. Review status: criteria provided, single submitter. Criteria: Invitae Variant Classification Sherloc (09022015). Collection method: clinical testing. Allele origin: germline.
Comment: This sequence change affects codon 1932 of the LAMA1 mRNA. It is a 'silent' change, meaning that it does not change the encoded amino acid sequence of the LAMA1 protein. This variant also falls at the last nucleotide of exon 40, which is part of the consensus splice site for this exon. This variant is present in population databases (no rsID available, gnomAD 0.002%). This variant has not been reported in the literature in individuals affected with LAMA1-related conditions. ClinVar contains an entry for this variant (Variation ID: 1378564). Variants that disrupt the consensus splice site are a relatively common cause of aberrant splicing (PMID: 17576681, 9536098). Algorithms developed to predict the effect of sequence changes on RNA splicing suggest that this variant may disrupt the consensus splice site. In summary, the available evidence is currently insufficient to determine the role of this variant in disease. Therefore, it has been classified as a Variant of Uncertain Significance.

Literature cited by the submitters: PubMed 17576681; PubMed 9536098.